The following is an entry in ClinVar:

ClinVar aggregate classification (germline): Uncertain significance (1 of 4 stars; one submission).

Submission:

Labcorp Genetics (formerly Invitae), Labcorp
Classification: Uncertain significance. Last evaluated: 2024-12-17. Review status: criteria provided, single submitter. Criteria: Invitae Variant Classification Sherloc (09022015). Collection method: clinical testing. Allele origin: germline.
Comment: This sequence change affects a donor splice site in intron 22 of the MICAL1 gene. It is expected to disrupt RNA splicing. Variants that disrupt the donor or acceptor splice site typically lead to a loss of protein function (PMID: 16199547), however the current clinical and genetic evidence is not sufficient to establish whether loss-of-function variants in MICAL1 cause disease. This variant is not present in population databases (gnomAD no frequency). This variant has not been reported in the literature in individuals affected with MICAL1-related conditions. ClinVar contains an entry for this variant (Variation ID: 2167281). Algorithms developed to predict the effect of sequence changes on RNA splicing suggest that this variant may disrupt the consensus splice site. In summary, the available evidence is currently insufficient to determine the role of this variant in disease. Therefore, it has been classified as a Variant of Uncertain Significance.

Literature cited by the submitters: PubMed 16199547.

NM_022765.4(MICAL1):c.2881+1G>C

Gene: MICAL1 (microtubule associated monooxygenase, calponin and LIM domain containing 1; minus strand). Cytogenetic location: 6q21.
Variant type: single nucleotide variant.
Coding change: c.2881+1G>C on transcript NM_022765.4 (MANE Select); the canonical splice donor site of the intron after coding-DNA position 2881, G replaced by C.
Molecular consequence: splice donor variant.
Genome position (GRCh38, 1-based): chr6:109,445,196, C>G on the plus strand (G>C on the coding strand, the complement: MICAL1 is on the minus strand). VCF-style: chr6-109445196-C-G. GRCh37 (hg19) VCF-style: chr6-109766399-C-G.
Other names: c.2938+1G>C (NM_001286613.2); c.2623+1G>C (NM_001159291.2).
Identifiers: ClinVar variation 2167281 (VCV002167281.4), dbSNP rs779573536, ClinGen allele CA365221356.
Genomic context (GRCh38, chr6:109,445,196, plus strand): 5'-CTGGAGCGTGGAGCTGAACACAGTGCTAGAAGGCAGAGGGGTGTCCTAGCTTGTCACTCA[C>G]TGCTCTGGCGCCTCAAGGCCAGCTCCAGCTTCACGCCCTCGGCCTCTAGCTCCCTCAAGG-3'